The following is an entry in ClinVar:

NM_001100913.3(PACS2):c.43G>C (p.Ala15Pro)

Genes: BRF1 (BRF1 general transcription factor IIIB subunit; minus strand), PACS2 (phosphofurin acidic cluster sorting protein 2; plus strand). Cytogenetic location: 14q32.33.
Variant type: single nucleotide variant.
Coding change: c.43G>C on transcript NM_001100913.3 (MANE Select); coding-DNA position 43, G replaced by C.
Protein change: p.Ala15Pro; replaces alanine 15 with proline.
Molecular consequence: missense variant. On other transcripts: intron variant (4).
Genome position (GRCh38, 1-based): chr14:105,314,961, G>C. VCF-style: chr14-105314961-G-C. GRCh37 (hg19) VCF-style: chr14-105781298-G-C.
Other names: c.43G>C, p.Ala15Pro (NM_015197.4); c.-162+361C>G (NM_001440451.1, NM_001242787.2, NM_001242786.2); c.-83+13982G>C (NM_001243127.3); short protein forms A15P.
Identifiers: ClinVar variation 3659481 (VCV003659481.2).

ClinVar aggregate classification (germline): Uncertain significance (1 of 4 stars; one submission).

Submission:

Labcorp Genetics (formerly Invitae), Labcorp
Classification: Uncertain significance. Last evaluated: 2024-07-14. Review status: criteria provided, single submitter. Criteria: Invitae Variant Classification Sherloc (09022015). Collection method: clinical testing. Allele origin: germline.
Comment: This sequence change replaces alanine, which is neutral and non-polar, with proline, which is neutral and non-polar, at codon 15 of the PACS2 protein (p.Ala15Pro). This variant is not present in population databases (gnomAD no frequency). This variant has not been reported in the literature in individuals affected with PACS2-related conditions. An algorithm developed to predict the effect of missense changes on protein structure and function (PolyPhen-2) suggests that this variant is likely to be disruptive. In summary, the available evidence is currently insufficient to determine the role of this variant in disease. Therefore, it has been classified as a Variant of Uncertain Significance.